The following is an entry in ClinVar:

NM_001844.5(COL2A1):c.530G>A (p.Gly177Glu)

Gene: COL2A1 (collagen type II alpha 1 chain; minus strand). Cytogenetic location: 12q13.11.
Variant type: single nucleotide variant.
Coding change: c.530G>A on transcript NM_001844.5 (MANE Select); coding-DNA position 530, G replaced by A.
Protein change: p.Gly177Glu; replaces glycine 177 with glutamic acid.
Molecular consequence: missense variant.
Genome position (GRCh38, 1-based): chr12:47,997,607, C>T on the plus strand (G>A on the coding strand, the complement: COL2A1 is on the minus strand). VCF-style: chr12-47997607-C-T. GRCh37 (hg19) VCF-style: chr12-48391390-C-T.
Other names: c.323G>A, p.Gly108Glu (NM_033150.3); short protein forms G108E, G177E.
Identifiers: ClinVar variation 1437229 (VCV001437229.7), dbSNP rs764690054, ClinGen allele CA6535908.

ClinVar aggregate classification (germline): Uncertain significance. Review status: criteria provided, multiple submitters, no conflicts (2 of 4 stars). 2 submissions from 2 submitters: Uncertain significance (2). Last evaluated 2022-11-15.

Allele frequency attached by ClinVar (database versions not stated): gnomAD exomes below 0.00001 and 0.00002; TOPMed below 0.00001; ExAC 0.00002.
gnomAD v4.1: 4 of 1,613,852 alleles (0.00025%); highest among the groups gnomAD compares: Admixed American, 0.0067%; no homozygotes.

Submissions (2):

Labcorp Genetics (formerly Invitae), Labcorp
Classification: Uncertain significance. Last evaluated: 2022-11-15. Review status: criteria provided, single submitter. Criteria: Invitae Variant Classification Sherloc (09022015). Collection method: clinical testing. Allele origin: germline.
Comment: In summary, the available evidence is currently insufficient to determine the role of this variant in disease. Therefore, it has been classified as a Variant of Uncertain Significance. Algorithms developed to predict the effect of missense changes on protein structure and function are either unavailable or do not agree on the potential impact of this missense change (SIFT: "Deleterious"; PolyPhen-2: "Not Available"; Align-GVGD: "Class C65"). ClinVar contains an entry for this variant (Variation ID: 1437229). This variant has not been reported in the literature in individuals affected with COL2A1-related conditions. This variant is present in population databases (rs764690054, gnomAD 0.01%). This sequence change replaces glycine, which is neutral and non-polar, with glutamic acid, which is acidic and polar, at codon 177 of the COL2A1 protein (p.Gly177Glu).

Blueprint Genetics
Classification: Uncertain significance. Last evaluated: 2019-10-08. Review status: criteria provided, single submitter. Criteria: ACMG Guidelines, 2015. Collection method: clinical testing. Allele origin: germline.